The following is an entry in ClinVar:

ClinVar aggregate classification (germline): Uncertain significance (1 of 4 stars; one submission).

Conditions:
Familial thoracic aortic aneurysm and aortic dissection (TAAD). Also called: Thoracic aortic aneurysms and dissections. Identifiers: Orphanet 91387, MedGen C4707243, MONDO:0019625.

Allele frequency attached by ClinVar (database versions not stated): TOPMed 0.00001.
gnomAD v4.1: 9 of 1,614,026 alleles (0.00056%); highest among the groups gnomAD compares: Non-Finnish European, 0.00076%; no homozygotes.

Submission:

Ambry Genetics
Classification: Uncertain significance for Familial thoracic aortic aneurysm and aortic dissection. Last evaluated: 2017-11-28. Review status: criteria provided, single submitter. Criteria: Ambry Variant Classification Scheme 2023. Collection method: clinical testing. Allele origin: germline.
Comment: The p.S2401R variant (also known as c.7201A>C), located in coding exon 57 of the FBN2 gene, results from an A to C substitution at nucleotide position 7201. The serine at codon 2401 is replaced by arginine, an amino acid with dissimilar properties. This amino acid position is not well conserved in available vertebrate species. In addition, the in silico prediction for this alteration is inconclusive. Since supporting evidence is limited at this time, the clinical significance of this alteration remains unclear.

NM_001999.4(FBN2):c.7201A>C (p.Ser2401Arg)

Gene: FBN2 (fibrillin 2; minus strand). Cytogenetic location: 5q23.3.
Variant type: single nucleotide variant.
Coding change: c.7201A>C on transcript NM_001999.4 (MANE Select); coding-DNA position 7201, A replaced by C.
Protein change: p.Ser2401Arg; replaces serine 2401 with arginine.
Molecular consequence: missense variant.
Genome position (GRCh38, 1-based): chr5:128,278,779, T>G on the plus strand (A>C on the coding strand, the complement: FBN2 is on the minus strand). VCF-style: chr5-128278779-T-G. GRCh37 (hg19) VCF-style: chr5-127614471-T-G.
Other names: short protein forms S2401R.
Identifiers: ClinVar variation 519867 (VCV000519867.5), dbSNP rs777558947, ClinGen allele CA360756583.
Genomic context (GRCh38, chr5:128,278,779, plus strand): 5'-GGTGGCCCCAGCCTCGCCCACCATCACAGCAGCATTCTGACTTAGTGACGAGATTGCGAC[T>G]ACTGGATGCCATTTGACATATTGTCTGCAGTACCTCTGCAAAGCAGAGACCCTGTCGATT-3'
Protein context (NP_001990.2, residues 2391-2411): LQTICQMASS[Ser2401Arg]RNLVTKSECC